The following is an entry in ClinVar:

ClinVar aggregate classification (germline): Uncertain significance. Review status: criteria provided, multiple submitters, no conflicts (2 of 4 stars). 2 submissions from 2 submitters: Uncertain significance (2). Last evaluated 2023-08-30.

Conditions:
Tumor predisposition syndrome 3 (TPDS3). Also called: Glioma susceptibility 9; LONG TELOMERE SYNDROME, POT1-RELATED; POT1 Tumor Predisposition; Melanoma, cutaneous malignant, susceptibility to, 10. Identifiers: Orphanet 618, MedGen C4014476, MONDO:0014368, OMIM 615848.
Hereditary cancer-predisposing syndrome. Also called: Neoplastic Syndromes, Hereditary; Hereditary Cancer Syndrome; Tumor predisposition; Hereditary neoplastic syndrome. Identifiers: Orphanet 140162, MedGen C0027672, MeSH D009386, MONDO:0015356.

Allele frequency attached by ClinVar (database versions not stated): TOPMed below 0.00001.

Submissions (2):

Ambry Genetics
Classification: Uncertain significance for Hereditary cancer-predisposing syndrome. Last evaluated: 2023-08-30. Review status: criteria provided, single submitter. Criteria: Ambry Variant Classification Scheme 2023. Collection method: clinical testing. Allele origin: germline.
Comment: The c.1594+3T>C intronic variant results from a T to C substitution 3 nucleotides after coding exon 12 in the POT1 gene. This nucleotide position is well conserved in available vertebrate species. In silico splice site analysis predicts that this alteration will not have any significant effect on splicing. Since supporting evidence is limited at this time, the clinical significance of this alteration remains unclear.

Labcorp Genetics (formerly Invitae), Labcorp
Classification: Uncertain significance for Tumor predisposition syndrome 3. Last evaluated: 2023-07-17. Review status: criteria provided, single submitter. Criteria: Invitae Variant Classification Sherloc (09022015). Collection method: clinical testing. Allele origin: germline.
Comment: This variant is not present in population databases (gnomAD no frequency). In summary, the available evidence is currently insufficient to determine the role of this variant in disease. Therefore, it has been classified as a Variant of Uncertain Significance. Variants that disrupt the consensus splice site are a relatively common cause of aberrant splicing (PMID: 17576681, 9536098). Algorithms developed to predict the effect of sequence changes on RNA splicing suggest that this variant is not likely to affect RNA splicing. This variant has not been reported in the literature in individuals affected with POT1-related conditions. This sequence change falls in intron 16 of the POT1 gene. It does not directly change the encoded amino acid sequence of the POT1 protein. It affects a nucleotide within the consensus splice site.

Literature cited by the submitters: PubMed 17576681 (cited by Labcorp Genetics (formerly Invitae), Labcorp); PubMed 9536098 (cited by Labcorp Genetics (formerly Invitae), Labcorp).

NM_015450.3(POT1):c.1594+3T>C

Gene: POT1 (protection of telomeres 1; minus strand). Cytogenetic location: 7q31.33.
Variant type: single nucleotide variant.
Coding change: c.1594+3T>C on transcript NM_015450.3 (MANE Select); 3 bases into the intron after coding-DNA position 1594, T replaced by C.
Molecular consequence: intron variant.
Genome position (GRCh38, 1-based): chr7:124,829,251, A>G on the plus strand (T>C on the coding strand, the complement: POT1 is on the minus strand). VCF-style: chr7-124829251-A-G. GRCh37 (hg19) VCF-style: chr7-124469305-A-G.
Other names: c.1201+3T>C (NM_001042594.2).
Identifiers: ClinVar variation 2590477 (VCV002590477.5), dbSNP rs1230809589, ClinGen allele CA832800610.